The following is an entry in ClinVar:

ClinVar aggregate classification (germline): Pathogenic (1 of 4 stars; one submission).

Submission:

Labcorp Genetics (formerly Invitae), Labcorp
Classification: Pathogenic. Last evaluated: 2024-04-17. Review status: criteria provided, single submitter. Criteria: Invitae Variant Classification Sherloc (09022015). Collection method: clinical testing. Allele origin: germline.
Comment: This sequence change creates a premature translational stop signal (p.Trp87*) in the CD55 gene. It is expected to result in an absent or disrupted protein product. Loss-of-function variants in CD55 are known to be pathogenic (PMID: 28657829, 28657861). This variant is not present in population databases (gnomAD no frequency). This variant has not been reported in the literature in individuals affected with CD55-related conditions. For these reasons, this variant has been classified as Pathogenic.

Literature cited by the submitters: PubMed 28657829; PubMed 28657861.

NM_000574.5(CD55):c.260G>A (p.Trp87Ter)

Gene: CD55 (CD55 molecule (Cromer blood group); plus strand). Cytogenetic location: 1q32.2.
Variant type: single nucleotide variant.
Coding change: c.260G>A on transcript NM_000574.5 (MANE Select); coding-DNA position 260, G replaced by A.
Protein change: p.Trp87Ter; replaces tryptophan 87 with a stop codon.
Molecular consequence: nonsense. On other transcripts: non-coding transcript variant (1).
Genome position (GRCh38, 1-based): chr1:207,322,541, G>A. VCF-style: chr1-207322541-G-A. GRCh37 (hg19) VCF-style: chr1-207495886-G-A.
Other names: c.260G>A, p.Trp87Ter (NM_001114752.3, NM_001300902.2, NM_001300903.2 and 1 more transcripts); short protein forms W87*.
Identifiers: ClinVar variation 2796629 (VCV002796629.3), dbSNP rs2526924702, ClinGen allele CA344515809.
Genomic context (GRCh38, chr1:207,322,541, plus strand): 5'-AAAGCTTTGTGAAAATTCCTGGCGAGAAGGACTCAGTGATCTGCCTTAAGGGCAGTCAAT[G>A]GTCAGATATTGAAGAGTTCTGCAATCGTAAGTTCTTCATCTTTTTAGAAAAGTTCTGGGA-3'